The following is an entry in ClinVar:

NM_001999.4(FBN2):c.3871C>A (p.Pro1291Thr)

Gene: FBN2 (fibrillin 2; minus strand). Cytogenetic location: 5q23.3.
Variant type: single nucleotide variant.
Coding change: c.3871C>A on transcript NM_001999.4 (MANE Select); coding-DNA position 3871, C replaced by A.
Protein change: p.Pro1291Thr; replaces proline 1291 with threonine.
Molecular consequence: missense variant.
Genome position (GRCh38, 1-based): chr5:128,335,272, G>T on the plus strand (C>A on the coding strand, the complement: FBN2 is on the minus strand). VCF-style: chr5-128335272-G-T. GRCh37 (hg19) VCF-style: chr5-127670964-G-T.
Other names: short protein forms P1291T.
Identifiers: ClinVar variation 2856860 (VCV002856860.3), dbSNP rs1750804824, ClinGen allele CA360757523.

ClinVar aggregate classification (germline): Uncertain significance (1 of 4 stars; one submission).

Conditions:
Congenital contractural arachnodactyly (CCA). Also called: BEALS SYNDROME; Beals-Hecht syndrome; Arthrogryposis, distal, type 9. Identifiers: Orphanet 115, MedGen C0220668, MONDO:0007363, OMIM 121050.

Submission:

Labcorp Genetics (formerly Invitae), Labcorp
Classification: Uncertain significance for Congenital contractural arachnodactyly. Last evaluated: 2025-06-24. Review status: criteria provided, single submitter. Criteria: Invitae Variant Classification Sherloc (09022015). Collection method: clinical testing. Allele origin: germline.
Comment: This sequence change replaces proline, which is neutral and non-polar, with threonine, which is neutral and polar, at codon 1291 of the FBN2 protein (p.Pro1291Thr). This variant is not present in population databases (gnomAD no frequency). This variant has not been reported in the literature in individuals affected with FBN2-related conditions. ClinVar contains an entry for this variant (Variation ID: 2856860). Invitae Evidence Modeling of protein sequence and biophysical properties (such as structural, functional, and spatial information, amino acid conservation, physicochemical variation, residue mobility, and thermodynamic stability) indicates that this missense variant is expected to disrupt FBN2 protein function with a positive predictive value of 80%. In summary, the available evidence is currently insufficient to determine the role of this variant in disease. Therefore, it has been classified as a Variant of Uncertain Significance.